The following is an entry in ClinVar:

NM_006236.3(POU3F3):c.1084C>T (p.Arg362Cys)

Gene: POU3F3 (POU class 3 homeobox 3; plus strand). Cytogenetic location: 2q12.1.
Variant type: single nucleotide variant.
Coding change: c.1084C>T on transcript NM_006236.3 (MANE Select); coding-DNA position 1084, C replaced by T.
Protein change: p.Arg362Cys; replaces arginine 362 with cysteine.
Molecular consequence: missense variant.
Genome position (GRCh38, 1-based): chr2:104,856,594, C>T. VCF-style: chr2-104856594-C-T. GRCh37 (hg19) VCF-style: chr2-105473052-C-T.
Other names: c.1084C>T (NM_006236.1); short protein forms R362C.
Identifiers: ClinVar variation 3034123 (VCV003034123.3), dbSNP rs2104341046, ClinGen allele CA348098164.

ClinVar aggregate classification (germline): Uncertain significance. Review status: criteria provided, multiple submitters, no conflicts (2 of 4 stars). 2 submissions from 2 submitters: Uncertain significance (2). Last evaluated 2025-02-26.

Conditions:
POU3F3-related disorder. Also called: POU3F3-related condition.

Submissions (2):

PreventionGenetics, part of Exact Sciences
Classification: Uncertain significance for POU3F3-related condition. Last evaluated: 2025-02-26. Review status: criteria provided, single submitter. Criteria: ACMG Guidelines, 2015. Collection method: clinical testing. Allele origin: germline.
Comment: The POU3F3 c.1084C>T variant is predicted to result in the amino acid substitution p.Arg362Cys. To our knowledge, this variant has not been reported in the literature or in a large population database, indicating this variant is rare. Of note, additional variants impacting the same amino acid (p.Arg362Ser and p.Arg362Leu) have been reported as de novo in patients with POU3F3-related disorder (see for example, Coursimault et al. 2022. PubMed ID: 35842780; Snijders Blok et al. 2019. PubMed ID: 31303265; Supplementary Table 2, Kosmicki et al. 2017. PubMed ID: 28191890). Although we suspect that the c.1084C>T (p.Arg362Cys) variant may be pathogenic, at this time, the clinical significance of this variant is uncertain due to the absence of conclusive functional and genetic evidence.

GeneDx
Classification: Uncertain significance. Last evaluated: 2023-05-18. Review status: criteria provided, single submitter. Criteria: GeneDx Variant Classification Process June 2021. Collection method: clinical testing. Allele origin: germline. Affected: yes.
Comment: Not observed at significant frequency in large population cohorts (gnomAD); In silico analysis supports that this missense variant has a deleterious effect on protein structure/function; Has not been previously published as pathogenic or benign to our knowledge.